The following is an entry in ClinVar:

NM_001039660.2(IL18BP):c.279C>G (p.Pro93=)

Gene: IL18BP (interleukin 18 binding protein; plus strand). Cytogenetic location: 11q13.4.
Variant type: single nucleotide variant.
Coding change: c.279C>G on transcript NM_001039660.2 (MANE Select); coding-DNA position 279, C replaced by G.
Protein change: p.Pro93=; no amino-acid change (proline 93 retained).
Molecular consequence: synonymous variant. On other transcripts: intron variant (1).
Genome position (GRCh38, 1-based): chr11:72,001,244, C>G. VCF-style: chr11-72001244-C-G. GRCh37 (hg19) VCF-style: chr11-71712290-C-G.
Other names: c.279C>G, p.Pro93= (NM_001039659.2, NM_001145057.1, NM_005699.3 and 2 more transcripts); c.236-540C>G (NM_001145055.1).
Identifiers: ClinVar variation 2715302 (VCV002715302.3), dbSNP rs2495851638, ClinGen allele CA475582982.

ClinVar aggregate classification (germline): Uncertain significance (1 of 4 stars; one submission).

Submission:

Labcorp Genetics (formerly Invitae), Labcorp
Classification: Uncertain significance. Last evaluated: 2023-06-23. Review status: criteria provided, single submitter. Criteria: Invitae Variant Classification Sherloc (09022015). Collection method: clinical testing. Allele origin: germline.
Comment: This sequence change affects codon 93 of the IL18BP mRNA. It is a 'silent' change, meaning that it does not change the encoded amino acid sequence of the IL18BP protein. This variant is not present in population databases (gnomAD no frequency). This variant has not been reported in the literature in individuals affected with IL18BP-related conditions. In summary, the available evidence is currently insufficient to determine the role of this variant in disease. Therefore, it has been classified as a Variant of Uncertain Significance.